The following is an entry in ClinVar:

NM_001048174.2(MUTYH):c.1463C>T (p.Pro488Leu)

Gene: MUTYH (mutY DNA glycosylase; minus strand). Cytogenetic location: 1p34.1.
Variant type: single nucleotide variant.
Coding change: c.1463C>T on transcript NM_001048174.2 (MANE Select); coding-DNA position 1463, C replaced by T.
Protein change: p.Pro488Leu; replaces proline 488 with leucine.
Molecular consequence: missense variant. On other transcripts: non-coding transcript variant (2).
Genome position (GRCh38, 1-based): chr1:45,329,409, G>A on the plus strand (C>T on the coding strand, the complement: MUTYH is on the minus strand). VCF-style: chr1-45329409-G-A. GRCh37 (hg19) VCF-style: chr1-45795081-G-A.
Other names: c.1463C>T, p.Pro488Leu (NM_001048171.2, NM_001048173.2, NM_001293195.2); c.1466C>T, p.Pro489Leu (NM_001048172.2); c.1547C>T, p.Pro516Leu (NM_001128425.2); c.1508C>T, p.Pro503Leu (NM_001293190.2); c.1496C>T, p.Pro499Leu (NM_001293191.2); c.1187C>T, p.Pro396Leu (NM_001293192.2, NM_001293196.2); c.1118C>T, p.Pro373Leu (NM_001350650.2, NM_001350651.2); c.1538C>T, p.Pro513Leu (NM_012222.3); short protein forms P516L, P373L, P488L, P499L, P503L, P396L, P489L, P513L.
Identifiers: ClinVar variation 134867 (VCV000134867.31), dbSNP rs587778542, ClinGen allele CA012986.

ClinVar aggregate classification (germline): Conflicting classifications of pathogenicity. Review status: criteria provided, conflicting classifications (1 of 4 stars). 12 submissions from 12 submitters: Uncertain significance (8); Benign (2); Likely benign (1). 1 of the submissions does not count toward it. Last evaluated 2025-12-15.

Conditions:
MUTYH-related disorder. Also called: MUTYH-related disorders; MUTYH-related condition.
Hereditary cancer-predisposing syndrome. Also called: Neoplastic Syndromes, Hereditary; Tumor predisposition; Hereditary Cancer Syndrome; Hereditary neoplastic syndrome. Identifiers: Orphanet 140162, MedGen C0027672, MeSH D009386, MONDO:0015356.
Familial adenomatous polyposis 2. Also called: COLORECTAL ADENOMATOUS POLYPOSIS, AUTOSOMAL RECESSIVE; ADENOMAS, MULTIPLE COLORECTAL, AUTOSOMAL RECESSIVE; MUTYH Polyposis; MYH-associated polyposis; FAP type 2; Adenomas, multiple colorectal. Identifiers: Orphanet 220460, Orphanet 247798, MedGen C3272841, MONDO:0012041, OMIM 608456.

Allele frequency attached by ClinVar (database versions not stated): gnomAD exomes 0.00002; TOPMed 0.00002; gnomAD 0.00003 and 0.00004.

Submissions (12):

PreventionGenetics, part of Exact Sciences
Classification: Uncertain significance for MUTYH-related condition. Last evaluated: 2025-12-15. Review status: criteria provided, single submitter. Criteria: ACMG Guidelines, 2015. Collection method: clinical testing. Allele origin: germline.
Comment: The MUTYH c.1547C>T variant is predicted to result in the amino acid substitution p.Pro516Leu. This variant is also known as c.1505C>T (p.Pro502Leu) on the alpha 3 transcript NM_001048171. This variant has been reported in the literature in an individual with atypical familial adenomatous polyposis (Table 2, Morak et al. 2010. PubMed ID: 20618354). Functional studies showed that this variant did not negatively impact MUTYH function (Komine et al. 2015. PubMed ID: 25820570; Brinkmeyer et al. 2015. PubMed ID: 26377631). This variant is reported in 0.0046% of alleles in individuals of European (Finnish) descent in gnomAD and has conflicting interpretations regarding its pathogenicity in ClinVar, ranging from benign to uncertain (Variation ID: 134867). At this time, the clinical significance of this variant is uncertain due to the absence of conclusive functional and genetic evidence.

Labcorp Genetics (formerly Invitae), Labcorp
Classification: Uncertain significance for Familial adenomatous polyposis 2. Last evaluated: 2025-11-22. Review status: criteria provided, single submitter. Criteria: Invitae Variant Classification Sherloc (09022015). Collection method: clinical testing. Allele origin: germline.
Comment: This sequence change replaces proline, which is neutral and non-polar, with leucine, which is neutral and non-polar, at codon 516 of the MUTYH protein (p.Pro516Leu). This variant is present in population databases (rs587778542, gnomAD 0.004%). This missense change has been observed in individual(s) with attenuated familial adenomatous polyposis (PMID: 20618354). This variant is also known as p.P502L. ClinVar contains an entry for this variant (Variation ID: 134867). An algorithm developed to predict the effect of missense changes on protein structure and function outputs the following: PolyPhen-2: "Benign". The leucine amino acid residue is found in multiple mammalian species, which suggests that this missense change does not adversely affect protein function. Experimental studies have shown that this missense change does not substantially affect MUTYH function (PMID: 25820570, 26377631). In summary, the available evidence is currently insufficient to determine the role of this variant in disease. Therefore, it has been classified as a Variant of Uncertain Significance.

Women's Health and Genetics/Laboratory Corporation of America, LabCorp
Classification: Uncertain significance. Last evaluated: 2025-02-27. Review status: criteria provided, single submitter. Criteria: LabCorp Variant Classification Summary - May 2015. Collection method: clinical testing. Allele origin: germline.
Comment: Variant summary: MUTYH c.1547C>T (p.Pro516Leu; also described as p.Pro488Leu in the literature) results in a non-conservative amino acid change in the encoded protein sequence. Four of five in-silico tools predict a benign effect of the variant on protein function. The variant allele was found at a frequency of 2e-05 in 251450 control chromosomes (gnomAD). The available data on variant occurrences in the general population are insufficient to allow any conclusion about variant significance. c.1547C>T has been reported in the literature as a monoallelic variant in at-least one individual affected with APC-mutation negative attenuated familial adenomatous polyposis (AFAP stage III) who reported a negative family history (example, Morak_2010). These report(s) do not provide unequivocal conclusions about association of the variant with MUTYH-Associated Polyposis. At least two publications reporting experimental evidence evaluating an impact on protein function were ascertained in the context of this evaluation (example, Brinkemeyer_2015, Komine_2015). Both these studies showed no damaging effect of this variant reporting similar DNA binding and glycosylase activity to wild-type enzyme (Brinkemeyer_2015) and a functionally retained ability to compliment the deficiency in an Mut Y disrupted E Coli system by monitoring spontaneous mutation rates (Komine_2015). However, a reduced affinity for PCNA (proliferation cell nuclear antigen), a binding partner of MUTYH protein, was also reported (Brinkmeyer_2015). The following publications have been ascertained in the context of this evaluation (PMID: 14579148, 26377631, 14991577, 25820570, 20618354, 37937776). ClinVar contains an entry for this variant (Variation ID: 134867). Based on the evidence outlined above, the variant was classified as VUS-possibly benign.

Quest Diagnostics Nichols Institute San Juan Capistrano
Classification: Uncertain significance. Last evaluated: 2025-01-16. Review status: criteria provided, single submitter. Criteria: Quest Diagnostics criteria. Collection method: clinical testing. Allele origin: unknown.
Comment: The MUTYH c.1547C>T (p.Pro516Leu) variant has been reported in the published literature in individuals with attenuated familial adenomatous polyposis (PMID: 20618354 (2010)) and familial colorectal cancer (PMID: 29212164 (2017)), as well as in reportedly healthy individuals (PMIDs: 36243179 (2023), 14579148 (2004), 14991577 (2004)). Additionally, in a large scale breast cancer association study, the variant was reported in a breast cancer case as well as in reportedly healthy individuals (PMID: 33471991 (2021), see also LOVD). Functional studies suggested that this variant is not significantly disruptive to protein function (PMIDs: 25820570 (2015), 26377631 (2015)). The frequency of this variant in the general population (Genome Aggregation Database) is uninformative in the assessment of its pathogenicity. Analysis of this variant using bioinformatics tools for the prediction of the effect of amino acid changes on protein structure and function yielded predictions that this variant is benign. Based on the available information, we are unable to determine the clinical significance of this variant.

Color Diagnostics, LLC DBA Color Health
Classification: Benign for Hereditary cancer-predisposing syndrome. Last evaluated: 2024-09-19. Review status: criteria provided, single submitter. Criteria: ACMG Guidelines, 2015. Collection method: clinical testing. Allele origin: germline.

All of Us Research Program, National Institutes of Health
Classification: Benign for Familial adenomatous polyposis 2. Last evaluated: 2024-08-29. Review status: criteria provided, single submitter. Criteria: ACMG Guidelines, 2015. Collection method: clinical testing. Allele origin: germline. Inheritance: Autosomal recessive inheritance. Observed: 8 variant alleles, 7 heterozygotes, 1 hemizygote.
Comment: This study involves interpretation of variants in research participants for the purpose of population health screening. Participant phenotype was not available at the time of variant classification. Additional details can be found in publication PMID: 35346344, PMCID: PMC8962531

GeneDx
Classification: Uncertain significance. Last evaluated: 2024-05-06. Review status: criteria provided, single submitter. Criteria: GeneDx Variant Classification Process June 2021. Collection method: clinical testing. Allele origin: germline. Affected: yes.
Comment: Not observed at significant frequency in large population cohorts (gnomAD); In silico analysis indicates that this missense variant does not alter protein structure/function; Also known as c.1505 C>T p.(P502L); This variant is associated with the following publications: (PMID: 14991577, 20618354, 19725997, 14579148, 25820570, 28087410, 26377631, 24728327, 33471991, 11092888, 23108399, 36243179)

Sema4
Classification: Uncertain significance for Hereditary cancer-predisposing syndrome. Last evaluated: 2021-09-20. Review status: criteria provided, single submitter. Criteria: Sema4 Curation Guidelines. Collection method: curation. Allele origin: germline.
Comment: The MUTYH c.1547C>T (p.P516L) variant has been reported in heterozygosity in at least one individual with attenuated familial adenomatous polyposis and at least one individual with breast cancer as well as in unaffected controls (PMID: 33471991, 20618354, 14991577, 14579148). It is also known as c.1505C>T (p.P502L) in the literature. In silico tools suggest the impact of the variant on protein function is benign and in vitro studies indicate that this variant does not affect MUTYH nuclear distribution, DNA binding properties, the amount of active protein, or glycosylase activity (PMID: 26377631, 25820570). However other studies have shown that this variant results in reduced affinity for PCNA, a binding partner of MUTYH protein (PMID: 26377631). This variant was observed in 1/21646 chromosomes in the Finnish population according to the Genome Aggregation Database (PMID: 32461654). This variant has been reported in ClinVar (Variation ID: 134867). The evidence is insufficient to meet ACMG/AMP criteria for classifying the variant as benign or pathogenic. Thus, the clinical significance of this variant is currently uncertain.

Ambry Genetics
Classification: Likely benign for Hereditary cancer-predisposing syndrome. Last evaluated: 2019-05-02. Review status: criteria provided, single submitter. Criteria: Ambry Variant Classification Scheme 2023. Collection method: clinical testing. Allele origin: germline.

Mendelics
Classification: Uncertain significance for MYH-associated polyposis. Last evaluated: 2018-07-02. Review status: criteria provided, single submitter. Criteria: Mendelics Assertion Criteria 2017. Collection method: clinical testing. Allele origin: unknown.

Eurofins Ntd Llc (ga)
Classification: Uncertain significance. Last evaluated: 2015-04-09. Review status: criteria provided, single submitter. Criteria: EGL Classification Definitions 2015. Collection method: clinical testing. Allele origin: germline. Observed: 1 variant allele, 1 heterozygote.

ITMI
No classification provided. Condition: AllHighlyPenetrant. Last evaluated: 2013-09-19. Review status: no classification provided. Collection method: reference population. Allele origin: germline. Not counted in ClinVar's aggregate classification.
Comment: Please see associated publication for description of ethnicities

Literature cited by the submitters: PubMed 20618354 (cited by 5 submitters); PubMed 25820570 (cited by 5 submitters); PubMed 26377631 (cited by 5 submitters); PubMed 14991577 (cited by 3 submitters); PubMed 14579148 (cited by 3 submitters); PubMed 37937776 (cited by Women's Health and Genetics/Laboratory Corporation of America, LabCorp); PubMed 29212164 (cited by Quest Diagnostics Nichols Institute San Juan Capistrano); PubMed 33471991 (cited by Quest Diagnostics Nichols Institute San Juan Capistrano and Sema4); PubMed 36243179 (cited by Quest Diagnostics Nichols Institute San Juan Capistrano); PubMed 24728327 (cited by ITMI).